The following is an entry in ClinVar:

ClinVar aggregate classification (germline): Uncertain significance (1 of 4 stars; one submission).

Allele frequency attached by ClinVar (database versions not stated): gnomAD exomes below 0.00001; TOPMed below 0.00001; ExAC 0.00001.
gnomAD v4.1: 3 of 1,610,030 alleles (0.00019%); highest among the groups gnomAD compares: South Asian, 0.0022%; no homozygotes.

Submission:

Labcorp Genetics (formerly Invitae), Labcorp
Classification: Uncertain significance. Last evaluated: 2021-07-21. Review status: criteria provided, single submitter. Criteria: Invitae Variant Classification Sherloc (09022015). Collection method: clinical testing. Allele origin: germline.
Comment: This variant has not been reported in the literature in individuals affected with SLC25A32-related conditions. Algorithms developed to predict the effect of missense changes on protein structure and function (SIFT, PolyPhen-2, Align-GVGD) all suggest that this variant is likely to be tolerated. In summary, the available evidence is currently insufficient to determine the role of this variant in disease. Therefore, it has been classified as a Variant of Uncertain Significance. This variant is present in population databases (rs763585056, ExAC 0.002%). This sequence change replaces isoleucine with valine at codon 228 of the SLC25A32 protein (p.Ile228Val). The isoleucine residue is highly conserved and there is a small physicochemical difference between isoleucine and valine.

NM_030780.5(SLC25A32):c.682A>G (p.Ile228Val)

Gene: SLC25A32 (solute carrier family 25 member 32; minus strand). Cytogenetic location: 8q22.3.
Variant type: single nucleotide variant.
Coding change: c.682A>G on transcript NM_030780.5 (MANE Select); coding-DNA position 682, A replaced by G.
Protein change: p.Ile228Val; replaces isoleucine 228 with valine.
Molecular consequence: missense variant. On other transcripts: non-coding transcript variant (2).
Genome position (GRCh38, 1-based): chr8:103,401,646, T>C on the plus strand (A>G on the coding strand, the complement: SLC25A32 is on the minus strand). VCF-style: chr8-103401646-T-C. GRCh37 (hg19) VCF-style: chr8-104413874-T-C.
Other names: short protein forms I228V.
Identifiers: ClinVar variation 1388115 (VCV001388115.8), dbSNP rs763585056, ClinGen allele CA4835396.